The following is an entry in ClinVar:

NM_170606.3(KMT2C):c.3446A>G (p.Asp1149Gly)

Gene: KMT2C (lysine methyltransferase 2C; minus strand). Cytogenetic location: 7q36.1.
Variant type: single nucleotide variant.
Coding change: c.3446A>G on transcript NM_170606.3 (MANE Select); coding-DNA position 3446, A replaced by G.
Protein change: p.Asp1149Gly; replaces aspartic acid 1149 with glycine.
Molecular consequence: missense variant.
Genome position (GRCh38, 1-based): chr7:152,222,054, T>C on the plus strand (A>G on the coding strand, the complement: KMT2C is on the minus strand). VCF-style: chr7-152222054-T-C. GRCh37 (hg19) VCF-style: chr7-151919139-T-C.
Other names: short protein forms D1149G.
Identifiers: ClinVar variation 3369421 (VCV003369421.1).
Genomic context (GRCh38, chr7:152,222,054, plus strand): 5'-ATTTTACCTAGCTCTTTTACTTTTGTGACAATTTGTGCTACAAGTGAAGATTCACAGCAG[T>C]CTGAGGAAGGCACTGAAACGAAAAAAAAAAATCCAGGTAATTCTTTTCAGAAAAGGTAAA-3'
Protein context (NP_733751.2, residues 1139-1159): YMPASNVPSS[Asp1149Gly]CCESSLVAQI

ClinVar aggregate classification (germline): Uncertain significance (1 of 4 stars; one submission).

Submission:

GeneDx
Classification: Uncertain significance. Last evaluated: 2024-03-16. Review status: criteria provided, single submitter. Criteria: GeneDx Variant Classification Process June 2021. Collection method: clinical testing. Allele origin: germline. Affected: yes.
Comment: Not observed at significant frequency in large population cohorts (gnomAD); In silico analysis supports that this missense variant has a deleterious effect on protein structure/function; Has not been previously published as pathogenic or benign to our knowledge